The following is an entry in ClinVar:

ClinVar aggregate classification (germline): Pathogenic (1 of 4 stars; one submission).

Submission:

GeneDx
Classification: Pathogenic. Last evaluated: 2024-12-20. Review status: criteria provided, single submitter. Criteria: GeneDx Variant Classification Process June 2021. Collection method: clinical testing. Allele origin: germline. Affected: yes.
Comment: Nonsense variant predicted to result in protein truncation or nonsense mediated decay in a gene for which loss of function is a known mechanism of disease; Not observed at significant frequency in large population cohorts (gnomAD); This variant is associated with the following publications: (PMID: 18500571)

NM_004836.7(EIF2AK3):c.1694_1695del (p.Lys564_Tyr565insTer)

Gene: EIF2AK3 (eukaryotic translation initiation factor 2 alpha kinase 3; minus strand). Cytogenetic location: 2p11.2.
Variant type: Microsatellite.
Coding change: c.1694_1695del on transcript NM_004836.7 (MANE Select); coding-DNA positions 1694 to 1695, 2 bases deleted (AT; older notation c.1694_1695delAT).
Protein change: p.Lys564_Tyr565insTer.
Molecular consequence: nonsense.
Genome position (GRCh38, 1-based): chr2:88,583,498-88,583,499, AT deleted on the plus strand (AT on the coding strand, the reverse complement: EIF2AK3 is on the minus strand); deleting any 2 consecutive bases within chr2:88,583,498-88,583,501 gives the same sequence; the c. name uses the placement nearest the transcript's 3' end. VCF-style (leftmost placement, unchanged base first): chr2-88583497-CAT-C. GRCh37 (hg19) VCF-style: chr2-88883015-CAT-C.
Other names: c.1241_1242del, p.Lys413_Tyr414insTer (NM_001313915.2).
Identifiers: ClinVar variation 2505984 (VCV002505984.3), dbSNP rs2529148991, ClinGen allele CA2580611678.